The following is an entry in ClinVar:

ClinVar aggregate classification (germline): Likely benign. Review status: criteria provided, multiple submitters, no conflicts (2 of 4 stars). 3 submissions from 3 submitters: Likely benign (2). 1 of the submissions does not count toward it. Last evaluated 2025-06-06.

Conditions:
SIL1-related disorder. Also called: SIL1-related condition.
Marinesco-Sjögren syndrome (MSS). Also called: Marinesco-Sjogren Syndrome; Marinesco-SjÃ¶gren syndrome. Identifiers: Orphanet 559, MedGen C0024814, MONDO:0009567, OMIM 248800.

Allele frequency attached by ClinVar (database versions not stated): TOPMed 0.00003.
gnomAD v4.1: 6 of 1,614,004 alleles (0.00037%); highest among the groups gnomAD compares: African/African-American, 0.008%; no homozygotes.

Submissions (3):

Athena Diagnostics
Classification: Likely benign. Last evaluated: 2025-06-06. Review status: criteria provided, single submitter. Criteria: Athena Diagnostics Criteria. Collection method: clinical testing. Allele origin: unknown.
Comment: Computational tools yielded predictions that this variant is unlikely to have an effect on normal RNA splicing. This nucleotide position exhibits low evolutionary conservation.

Labcorp Genetics (formerly Invitae), Labcorp
Classification: Likely benign for Marinesco-Sjögren syndrome. Last evaluated: 2024-04-16. Review status: criteria provided, single submitter. Criteria: Invitae Variant Classification Sherloc (09022015). Collection method: clinical testing. Allele origin: germline.

PreventionGenetics, part of Exact Sciences
Classification: Likely benign for SIL1-related condition. Last evaluated: 2019-03-06. Review status: no assertion criteria provided. Collection method: clinical testing. Allele origin: germline. Not counted in ClinVar's aggregate classification.
Comment: This variant is classified as likely benign based on ACMG/AMP sequence variant interpretation guidelines (Richards et al. 2015 PMID: 25741868, with internal and published modifications).

NM_022464.5(SIL1):c.618C>T (p.Leu206=)

Gene: SIL1 (SIL1 nucleotide exchange factor; minus strand). Cytogenetic location: 5q31.2.
Variant type: single nucleotide variant.
Coding change: c.618C>T on transcript NM_022464.5 (MANE Select); coding-DNA position 618, C replaced by T.
Protein change: p.Leu206=; no amino-acid change (leucine 206 retained).
Molecular consequence: synonymous variant.
Genome position (GRCh38, 1-based): chr5:139,026,828, G>A on the plus strand (C>T on the coding strand, the complement: SIL1 is on the minus strand). VCF-style: chr5-139026828-G-A. GRCh37 (hg19) VCF-style: chr5-138362517-G-A.
Other names: c.618C>T (NM_022464.4); c.618C>T, p.Leu206= (NM_001037633.2).
Identifiers: ClinVar variation 2150876 (VCV002150876.7), dbSNP rs899502101, ClinGen allele CA128240823.